The following is an entry in ClinVar:

NM_205834.4(LSR):c.514G>A (p.Val172Met)

Gene: LSR (lipolysis stimulated lipoprotein receptor; plus strand). Cytogenetic location: 19q13.12.
Variant type: single nucleotide variant.
Coding change: c.514G>A on transcript NM_205834.4 (MANE Select); coding-DNA position 514, G replaced by A.
Protein change: p.Val172Met; replaces valine 172 with methionine.
Molecular consequence: missense variant. On other transcripts: intron variant (1).
Genome position (GRCh38, 1-based): chr19:35,259,004, G>A. VCF-style: chr19-35259004-G-A. GRCh37 (hg19) VCF-style: chr19-35749907-G-A.
Other names: c.514G>A, p.Val172Met (NM_001260489.2, NM_001385215.1, NM_015925.7 and 1 more transcripts); c.455-7355G>A (NM_001260490.2); short protein forms V172M.
Identifiers: ClinVar variation 3678363 (VCV003678363.2).

ClinVar aggregate classification (germline): Uncertain significance (1 of 4 stars; one submission).

gnomAD v4.1: 4 of 1,614,026 alleles (0.00025%); highest among the groups gnomAD compares: Middle Eastern, 0.016%; no homozygotes.

Submission:

Labcorp Genetics (formerly Invitae), Labcorp
Classification: Uncertain significance. Last evaluated: 2024-09-15. Review status: criteria provided, single submitter. Criteria: Invitae Variant Classification Sherloc (09022015). Collection method: clinical testing. Allele origin: germline.
Comment: This sequence change replaces valine, which is neutral and non-polar, with methionine, which is neutral and non-polar, at codon 220 of the LSR protein (p.Val220Met). This variant is not present in population databases (gnomAD no frequency). This variant has not been reported in the literature in individuals affected with LSR-related conditions. An algorithm developed to predict the effect of missense changes on protein structure and function (PolyPhen-2) suggests that this variant is likely to be disruptive. In summary, the available evidence is currently insufficient to determine the role of this variant in disease. Therefore, it has been classified as a Variant of Uncertain Significance.